The following is an entry in ClinVar:

ClinVar aggregate classification (germline): Benign (1 of 4 stars; one submission).

Allele frequency attached by ClinVar (database versions not stated): gnomAD exomes 0.01332; gnomAD 0.02089.
gnomAD v4.1: 10,639 of 767,466 alleles (1.4%); highest among the groups gnomAD compares: Admixed American, 3.7%; 1,142 homozygotes.

Submission:

Unidad de Genómica Garrahan, Hospital de Pediatría Garrahan
Classification: Benign. Last evaluated: 2023-11-12. Review status: criteria provided, single submitter. Criteria: ACMG Guidelines, 2015. Collection method: clinical testing. Allele origin: germline. Affected: no. Observed: 27 variant alleles.
Comment: This variant is classified as Benign based on local population frequency. This variant was detected in 28% of patients studied by a panel of primary immunodeficiencies. Number of patients: 27. Only high quality variants are reported.

NM_001243133.2(NLRP3):c.2322-87A>G

Gene: NLRP3 (NLR family pyrin domain containing 3; plus strand). Cytogenetic location: 1q44.
Variant type: single nucleotide variant.
Coding change: c.2322-87A>G on transcript NM_001243133.2 (MANE Select); 87 bases into the intron before coding-DNA position 2322, A replaced by G.
Molecular consequence: intron variant.
Genome position (GRCh38, 1-based): chr1:247,434,016, A>G. VCF-style: chr1-247434016-A-G. GRCh37 (hg19) VCF-style: chr1-247597318-A-G.
Other names: c.2328-87A>G (NM_004895.5); c.2322-87A>G (NM_001127461.3, NM_001079821.3); c.2151-87A>G (NM_001127462.3, NM_183395.3).
Identifiers: ClinVar variation 2628249 (VCV002628249.2), dbSNP rs74997528, ClinGen allele CA40703606.